The following is an entry in ClinVar:

ClinVar aggregate classification (germline): Pathogenic (1 of 4 stars; one submission).

Conditions:
Ataxia-telangiectasia syndrome (AT). Also called: Cerebello-oculocutaneous telangiectasia; Immunodeficiency with ataxia telangiectasia; ATAXIA-TELANGIECTASIA, FRESNO VARIANT; Ataxia-telangiectasia, complementation group D; Ataxia telangiectasia (A-T); LOUIS-BAR SYNDROME. Identifiers: Orphanet 100, MedGen C0004135, MONDO:0008840, OMIM 208900.

Submission:

Labcorp Genetics (formerly Invitae), Labcorp
Classification: Pathogenic for Ataxia-telangiectasia syndrome. Last evaluated: 2017-06-09. Review status: criteria provided, single submitter. Criteria: Invitae Variant Classification Sherloc (09022015). Collection method: clinical testing. Allele origin: germline.
Comment: For these reasons, this variant has been classified as Pathogenic. Retrotransposon insertions including LINE1 (L1), Alu, and SVA (SINE-VNTR-Alu) have been reported to be disease-causing through disruption of either a coding region or splice site (PMID: 19763152, 20307669, 22406018) and loss-of-function variants in ATM are known to be pathogenic (PMID: 25614872, 23807571). This sequence change inserts a LINE transposable element in exon 30 of the ATM mRNA (c.4494_4495insLINE), causing a frameshift at codon 1498 (p.Leu1498fs). The exact size and sequence of the insertion cannot be determined by the current assay. However, the insertion is expected to result in an absent or disrupted protein product.

Literature cited by the submitters: PubMed 19763152; PubMed 20307669; PubMed 22406018; PubMed 25614872; PubMed 23807571.

NC_000011.9:g.108163403_108163404insLINE

Gene: ATM (ATM serine/threonine kinase; plus strand). Cytogenetic location: 11q22.3.
Variant type: Insertion.
Identifiers: ClinVar variation 1072996 (VCV001072996.7).